The following is an entry in ClinVar:

ClinVar aggregate classification (germline): Benign. Review status: criteria provided, single submitter (1 of 4 stars). 2 submissions from 1 submitter: Benign (2). Last evaluated 2018-01-13.

Conditions:
Cutis laxa. Identifiers: Orphanet 209, MedGen C0010495, MONDO:0016175, HP:0000973.
Macular degeneration, age-related, 3 (ARMD3). Identifiers: Orphanet 280598, MedGen C1837187, MONDO:0012145, OMIM 608895.

Allele frequency attached by ClinVar (database versions not stated): gnomAD 0.00199 and 0.00310; TOPMed 0.00284; 1000 Genomes Project 30x 0.01265; 1000 Genomes Project 0.01378.
gnomAD v4.1: 3,250 of 845,374 alleles (0.38%); highest among the groups gnomAD compares: South Asian, 3%; 76 homozygotes.

Submissions (2):

Illumina Laboratory Services, Illumina
Classification: Benign for Macular degeneration, age-related, 3. Last evaluated: 2018-01-13. Review status: criteria provided, single submitter. Criteria: ICSL Variant Classification Criteria 13 December 2019. Collection method: clinical testing. Allele origin: germline.
Comment: This variant was observed in the ICSL laboratory as part of a predisposition screen in an ostensibly healthy population. It had not been previously curated by ICSL or reported in the Human Gene Mutation Database (HGMD: prior to June 1st, 2018), and was therefore a candidate for classification through an automated scoring system. Utilizing variant allele frequency, disease prevalence and penetrance estimates, and inheritance mode, an automated score was calculated to assess if this variant is too frequent to cause the disease. Based on the score and internal cut-off values, a variant classified as benign is not then subjected to further curation. The score for this variant resulted in a classification of benign for this disease.

Illumina Laboratory Services, Illumina
Classification: Benign for Cutis laxa. Last evaluated: 2018-01-13. Review status: criteria provided, single submitter. Criteria: ICSL Variant Classification Criteria 13 December 2019. Collection method: clinical testing. Allele origin: germline.
Comment: the same text as in the submission from Illumina Laboratory Services, Illumina above.

NM_006329.4(FBLN5):c.-152C>T

Gene: FBLN5 (fibulin 5; minus strand). Cytogenetic location: 14q32.12.
Variant type: single nucleotide variant.
Coding change: c.-152C>T on transcript NM_006329.4 (MANE Select); 152 bases upstream of the start codon, C replaced by T.
Molecular consequence: 5 prime UTR variant.
Genome position (GRCh38, 1-based): chr14:91,947,381, G>A on the plus strand (C>T on the coding strand, the complement: FBLN5 is on the minus strand). VCF-style: chr14-91947381-G-A. GRCh37 (hg19) VCF-style: chr14-92413725-G-A.
Other names: c.-152C>T (NM_001384158.1, NM_001384160.1); c.-421C>T (NM_001384161.1, NM_001384162.1).
Identifiers: ClinVar variation 314885 (VCV000314885.5), dbSNP rs139387007, ClinGen allele CA10646556.